The following is an entry in ClinVar:

NM_007194.4(CHEK2):c.292G>A (p.Ala98Thr)

Gene: CHEK2 (checkpoint kinase 2; minus strand). Cytogenetic location: 22q12.1.
Variant type: single nucleotide variant.
Coding change: c.292G>A on transcript NM_007194.4 (MANE Select); coding-DNA position 292, G replaced by A.
Protein change: p.Ala98Thr; replaces alanine 98 with threonine.
Molecular consequence: missense variant.
Genome position (GRCh38, 1-based): chr22:28,734,430, C>T on the plus strand (G>A on the coding strand, the complement: CHEK2 is on the minus strand). VCF-style: chr22-28734430-C-T. GRCh37 (hg19) VCF-style: chr22-29130418-C-T.
Other names: c.292G>A, p.Ala98Thr (NM_001005735.3, NM_001349956.3, NM_145862.3); c.-486G>A (NM_001257387.3); short protein forms A98T.
Identifiers: ClinVar variation 479548 (VCV000479548.18), dbSNP rs1300016035, ClinGen allele CA411090317.

ClinVar aggregate classification (germline): Uncertain significance. Review status: criteria provided, multiple submitters, no conflicts (2 of 4 stars). 4 submissions from 4 submitters: Uncertain significance (4). Last evaluated 2025-09-22.

Conditions:
Hereditary cancer-predisposing syndrome. Also called: Hereditary Cancer Syndrome; Neoplastic Syndromes, Hereditary; Tumor predisposition; Hereditary neoplastic syndrome. Identifiers: Orphanet 140162, MedGen C0027672, MeSH D009386, MONDO:0015356.
Familial cancer of breast. Also called: BREAST CANCER, FAMILIAL; Hereditary breast cancer; hereditary breast carcinoma. Identifiers: Orphanet 227535, MedGen C0346153, MONDO:0016419, OMIM 114480. Disease mechanism: loss of function.

Allele frequency attached by ClinVar (database versions not stated): gnomAD exomes below 0.00001; TOPMed below 0.00001; gnomAD 0.00001.

Submissions (4):

Labcorp Genetics (formerly Invitae), Labcorp
Classification: Uncertain significance for Familial cancer of breast. Last evaluated: 2025-09-22. Review status: criteria provided, single submitter. Criteria: Invitae Variant Classification Sherloc (09022015). Collection method: clinical testing. Allele origin: germline.
Comment: This sequence change replaces alanine, which is neutral and non-polar, with threonine, which is neutral and polar, at codon 98 of the CHEK2 protein (p.Ala98Thr). This variant is not present in population databases (gnomAD no frequency). This variant has not been reported in the literature in individuals affected with CHEK2-related conditions. ClinVar contains an entry for this variant (Variation ID: 479548). An algorithm developed to predict the effect of missense changes on protein structure and function (PolyPhen-2) suggests that this variant is likely to be tolerated. In summary, the available evidence is currently insufficient to determine the role of this variant in disease. Therefore, it has been classified as a Variant of Uncertain Significance.

Ambry Genetics
Classification: Uncertain significance for Hereditary cancer-predisposing syndrome. Last evaluated: 2025-05-31. Review status: criteria provided, single submitter. Criteria: Ambry Variant Classification Scheme 2023. Collection method: clinical testing. Allele origin: germline.
Comment: The p.A98T variant (also known as c.292G>A), located in coding exon 1 of the CHEK2 gene, results from a G to A substitution at nucleotide position 292. The alanine at codon 98 is replaced by threonine, an amino acid with similar properties. This amino acid position is not well conserved in available vertebrate species. In addition, the in silico prediction for this alteration is inconclusive. Since supporting evidence is limited at this time, the clinical significance of this alteration remains unclear.

Color Diagnostics, LLC DBA Color Health
Classification: Uncertain significance for Hereditary cancer-predisposing syndrome. Last evaluated: 2023-03-18. Review status: criteria provided, single submitter. Criteria: ACMG Guidelines, 2015. Collection method: clinical testing. Allele origin: germline.
Comment: This missense variant replaces alanine with threonine at codon 98 of the CHEK2 protein. Computational prediction is inconclusive regarding the impact of this variant on protein structure and function (internally defined REVEL score threshold 0.5 < inconclusive < 0.7, PMID: 27666373). To our knowledge, functional studies have not been reported for this variant. This variant has not been reported in individuals affected with CHEK2-related disorders in the literature. This variant has not been identified in the general population by the Genome Aggregation Database (gnomAD). The available evidence is insufficient to determine the role of this variant in disease conclusively. Therefore, this variant is classified as a Variant of Uncertain Significance.

GeneDx
Classification: Uncertain significance. Last evaluated: 2022-11-08. Review status: criteria provided, single submitter. Criteria: GeneDx Variant Classification Process June 2021. Collection method: clinical testing. Allele origin: germline. Affected: yes.
Comment: Not observed at significant frequency in large population cohorts (gnomAD); In silico analysis supports that this missense variant does not alter protein structure/function; Has not been previously published as pathogenic or benign to our knowledge; This variant is associated with the following publications: (PMID: 22419737, 19782031)